The following is an entry in ClinVar:

ClinVar aggregate classification (germline): Benign. Review status: criteria provided, multiple submitters, no conflicts (2 of 4 stars). 3 submissions from 3 submitters: Benign (2). 1 of the submissions does not count toward it. Last evaluated 2026-02-01.

Conditions:
ANK3-related disorder. Also called: ANK3-related condition.

Allele frequency attached by ClinVar (database versions not stated): ESP Exome Variant Server 0.00038; gnomAD 0.00264 and 0.00444; TOPMed 0.00459; gnomAD exomes 0.00966; ExAC 0.01014; 1000 Genomes Project 30x 0.02061; 1000 Genomes Project 0.02177.
gnomAD v4.1: 7,417 of 1,604,872 alleles (0.46%); highest among the groups gnomAD compares: East Asian, 11%; 305 homozygotes.

Submissions (3):

Labcorp Genetics (formerly Invitae), Labcorp
Classification: Benign. Last evaluated: 2026-02-01. Review status: criteria provided, single submitter. Criteria: Invitae Variant Classification Sherloc (09022015). Collection method: clinical testing. Allele origin: germline.

Breakthrough Genomics
Classification: Benign. Review status: criteria provided, single submitter. Criteria: ACMG Guidelines, 2015. Collection method: not provided. Allele origin: germline. Inheritance: Autosomal recessive inheritance. Affected: yes.

PreventionGenetics, part of Exact Sciences
Classification: Benign for ANK3-related condition. Last evaluated: 2020-01-02. Review status: no assertion criteria provided. Collection method: clinical testing. Allele origin: germline. Not counted in ClinVar's aggregate classification.
Comment: This variant is classified as benign based on ACMG/AMP sequence variant interpretation guidelines (Richards et al. 2015 PMID: 25741868, with internal and published modifications).

NM_020987.5(ANK3):c.4380C>T (p.Phe1460=)

Gene: ANK3 (ankyrin 3; minus strand). Cytogenetic location: 10q21.2.
Variant type: single nucleotide variant.
Coding change: c.4380C>T on transcript NM_020987.5 (MANE Select); coding-DNA position 4380, C replaced by T.
Protein change: p.Phe1460=; no amino-acid change (phenylalanine 1460 retained).
Molecular consequence: synonymous variant.
Genome position (GRCh38, 1-based): chr10:60,080,589, G>A on the plus strand (C>T on the coding strand, the complement: ANK3 is on the minus strand). VCF-style: chr10-60080589-G-A. GRCh37 (hg19) VCF-style: chr10-61840347-G-A.
Other names: c.1755C>T, p.Phe585= (NM_001149.4); c.4335C>T, p.Phe1445= (NM_001204403.2); c.4356C>T, p.Phe1452= (NM_001204404.2); c.4353C>T, p.Phe1451= (NM_001320874.2); c.4380C>T (NM_020987.4).
Identifiers: ClinVar variation 1166909 (VCV001166909.12), dbSNP rs75052415, ClinGen allele CA5512221.